The following is an entry in ClinVar:

ClinVar aggregate classification (germline): Likely benign (1 of 4 stars; one submission).

Submission:

CeGaT Center for Human Genetics Tuebingen
Classification: Likely benign. Last evaluated: 2025-06-01. Review status: criteria provided, single submitter. Criteria: CeGaT Center For Human Genetics Tuebingen Variant Classification Criteria Version 2. Collection method: clinical testing. Allele origin: germline. Affected: yes. Observed: 1 variant allele.
Comment: UBC: BP4, BP7

NM_021009.7(UBC):c.21T>C (p.Thr7=)

Gene: UBC (ubiquitin C; minus strand). Cytogenetic location: 12q24.31.
Variant type: single nucleotide variant.
Coding change: c.21T>C on transcript NM_021009.7 (MANE Select); coding-DNA position 21, T replaced by C.
Protein change: p.Thr7=; no amino-acid change (threonine 7 retained).
Molecular consequence: synonymous variant.
Genome position (GRCh38, 1-based): chr12:124,913,751, A>G on the plus strand (T>C on the coding strand, the complement: UBC is on the minus strand). VCF-style: chr12-124913751-A-G. GRCh37 (hg19) VCF-style: chr12-125398297-A-G.
Identifiers: ClinVar variation 4083877 (VCV004083877.8).